The following is an entry in ClinVar:

NM_030665.4(RAI1):c.5297A>G (p.Gln1766Arg)

Gene: RAI1 (retinoic acid induced 1; plus strand). Cytogenetic location: 17p11.2.
Variant type: single nucleotide variant.
Coding change: c.5297A>G on transcript NM_030665.4 (MANE Select); coding-DNA position 5297, A replaced by G.
Protein change: p.Gln1766Arg; replaces glutamine 1766 with arginine.
Molecular consequence: missense variant.
Genome position (GRCh38, 1-based): chr17:17,798,245, A>G. VCF-style: chr17-17798245-A-G. GRCh37 (hg19) VCF-style: chr17-17701559-A-G.
Other names: c.5297A>G (NM_030665.3); short protein forms Q1766R.
Identifiers: ClinVar variation 1984608 (VCV001984608.5), dbSNP rs2543625665, ClinGen allele CA398558875.

ClinVar aggregate classification (germline): Uncertain significance. Review status: criteria provided, multiple submitters, no conflicts (2 of 4 stars). 2 submissions from 2 submitters: Uncertain significance (2). Last evaluated 2026-07-03.

Conditions:
Inborn genetic diseases. Identifiers: MedGen C0950123, MeSH D030342.

Submissions (2):

Ambry Genetics
Classification: Uncertain significance for Inborn genetic diseases. Last evaluated: 2026-07-03. Review status: criteria provided, single submitter. Criteria: Ambry Variant Classification Scheme 2023. Collection method: clinical testing. Allele origin: germline.

Labcorp Genetics (formerly Invitae), Labcorp
Classification: Uncertain significance. Last evaluated: 2022-08-28. Review status: criteria provided, single submitter. Criteria: Invitae Variant Classification Sherloc (09022015). Collection method: clinical testing. Allele origin: germline.
Comment: This sequence change replaces glutamine, which is neutral and polar, with arginine, which is basic and polar, at codon 1766 of the RAI1 protein (p.Gln1766Arg). This variant is not present in population databases (gnomAD no frequency). This variant has not been reported in the literature in individuals affected with RAI1-related conditions. Algorithms developed to predict the effect of missense changes on protein structure and function (SIFT, PolyPhen-2, Align-GVGD) all suggest that this variant is likely to be tolerated. In summary, the available evidence is currently insufficient to determine the role of this variant in disease. Therefore, it has been classified as a Variant of Uncertain Significance.